The following is an entry in ClinVar:

ClinVar aggregate classification (germline): Pathogenic. Review status: criteria provided, single submitter (1 of 4 stars). 2 submissions from 2 submitters: Pathogenic (1). 1 of the submissions does not count toward it. Last evaluated 2023-01-30.

Conditions:
3-methylglutaconic aciduria, type VIIB (MGCA7B). Also called: CLPB Deficiency; 3-methylglutaconic aciduria with cataracts, neurologic involvement and neutropenia; 3-methylglutaconic aciduria, type VII, with cataracts, neurologic involvement and neutropenia. Identifiers: Orphanet 445038, MedGen C5676893, MONDO:0014561, OMIM 616271.

Allele frequency attached by ClinVar (database versions not stated): TOPMed 0.00001.

Submissions (2):

Labcorp Genetics (formerly Invitae), Labcorp
Classification: Pathogenic for 3-methylglutaconic aciduria, type VIIB. Last evaluated: 2023-01-30. Review status: criteria provided, single submitter. Criteria: Invitae Variant Classification Sherloc (09022015). Collection method: clinical testing. Allele origin: germline.
Comment: This sequence change creates a premature translational stop signal (p.Arg250*) in the CLPB gene. It is expected to result in an absent or disrupted protein product. Loss-of-function variants in CLPB are known to be pathogenic (PMID: 25597510, 28687938). This variant is not present in population databases (gnomAD no frequency). This premature translational stop signal has been observed in individual(s) with 3-methylglutaconic aciduria (PMID: 25597510, 27290639). ClinVar contains an entry for this variant (Variation ID: 279604). For these reasons, this variant has been classified as Pathogenic.

GeneReviews
No classification provided. Condition: 3-methylglutaconic aciduria, type VIIB. Review status: no classification provided. Collection method: literature only. Allele origin: germline. Affected: yes. Not counted in ClinVar's aggregate classification.

Literature cited by the submitters: PubMed 25597510 (cited by Labcorp Genetics (formerly Invitae), Labcorp and GeneReviews); PubMed 28687938 (cited by Labcorp Genetics (formerly Invitae), Labcorp); PubMed 27290639 (cited by Labcorp Genetics (formerly Invitae), Labcorp); NCBI Bookshelf NBK396257 (cited by GeneReviews).

NM_001258392.3(CLPB):c.658C>T (p.Arg220Ter)

Gene: CLPB (ClpB family mitochondrial disaggregase; minus strand). Cytogenetic location: 11q13.4.
Variant type: single nucleotide variant.
Coding change: c.658C>T on transcript NM_001258392.3 (MANE Select); coding-DNA position 658, C replaced by T.
Protein change: p.Arg220Ter; replaces arginine 220 with a stop codon.
Molecular consequence: nonsense.
Genome position (GRCh38, 1-based): chr11:72,358,997, G>A on the plus strand (C>T on the coding strand, the complement: CLPB is on the minus strand). VCF-style: chr11-72358997-G-A. GRCh37 (hg19) VCF-style: chr11-72070041-G-A.
Other names: c.571C>T, p.Arg191Ter (NM_001258393.3); c.613C>T, p.Arg205Ter (NM_001258394.3); c.748C>T, p.Arg250Ter (NM_030813.6); short protein forms R250*, R220*, R205*, R191*.
Identifiers: ClinVar variation 279604 (VCV000279604.7), dbSNP rs777202372, ClinGen allele CA10602727.
Genomic context (GRCh38, chr11:72,358,997, plus strand): 5'-AGGCCGTGCAGCCCTTGAAACTGGCGCGGTTGTTCAGCCTGTTGTTGAAGTCATCCTCTC[G>A]GGTGATCAGGACTGGGGAGACAGCAACACAAACCCTTCCATTAGCAACGACAGCATGAGC-3'